The following is an entry in ClinVar:

NM_002693.3(POLG):c.975C>A (p.Pro325=)

Gene: POLG (DNA polymerase gamma, catalytic subunit; minus strand). Cytogenetic location: 15q26.1.
Variant type: single nucleotide variant.
Coding change: c.975C>A on transcript NM_002693.3 (MANE Select); coding-DNA position 975, C replaced by A.
Protein change: p.Pro325=; no amino-acid change (proline 325 retained).
Molecular consequence: synonymous variant.
Genome position (GRCh38, 1-based): chr15:89,328,991, G>T on the plus strand (C>A on the coding strand, the complement: POLG is on the minus strand). VCF-style: chr15-89328991-G-T. GRCh37 (hg19) VCF-style: chr15-89872222-G-T.
Other names: p.P325P:CCC>CCA; c.975C>A, p.Pro325= (NM_001126131.2).
Identifiers: ClinVar variation 138771 (VCV000138771.63), dbSNP rs551973680, ClinGen allele CA292865.

ClinVar aggregate classification (germline): Conflicting classifications of pathogenicity. Review status: criteria provided, conflicting classifications (1 of 4 stars). 8 submissions from 8 submitters: Uncertain significance (1); Benign (1); Likely benign (6). Last evaluated 2026-01-12.

Conditions:
POLG-related disorder. Also called: POLG-Related Spectrum Disorders; POLG-related condition; POLG-Related Disorders. Identifiers: MedGen C4763519.
Inborn genetic diseases. Identifiers: MedGen C0950123, MeSH D030342.
Progressive sclerosing poliodystrophy (MTDPS4A). Also called: Alpers Syndrome; ALPERS DIFFUSE DEGENERATION OF CEREBRAL GRAY MATTER WITH HEPATIC CIRRHOSIS; Alpers-Huttenlocher Syndrome; Mitochondrial DNA depletion syndrome 4A (Alpers type); Mitochondrial DNA Depletion Syndrome 4A; Alpers-Huttenlocher Syndrome (AHS). Identifiers: Orphanet 726, MedGen C0205710, MONDO:0008758, OMIM 203700.

gnomAD v4.1: 87 of 1,613,614 alleles (0.0054%); highest among the groups gnomAD compares: Non-Finnish European, 0.0067%; no homozygotes.

Submissions (8):

Labcorp Genetics (formerly Invitae), Labcorp
Classification: Likely benign for Progressive sclerosing poliodystrophy. Last evaluated: 2026-01-12. Review status: criteria provided, single submitter. Criteria: Invitae Variant Classification Sherloc (09022015). Collection method: clinical testing. Allele origin: germline.

PreventionGenetics, part of Exact Sciences
Classification: Likely benign for POLG-related condition. Last evaluated: 2025-07-08. Review status: criteria provided, single submitter. Criteria: ACMG Guidelines, 2015. Collection method: clinical testing. Allele origin: germline.
Comment: This variant is classified as likely benign based on ACMG/AMP sequence variant interpretation guidelines (Richards et al. 2015 PMID: 25741868, with internal and published modifications).

CeGaT Center for Human Genetics Tuebingen
Classification: Likely benign. Last evaluated: 2024-08-01. Review status: criteria provided, single submitter. Criteria: CeGaT Center For Human Genetics Tuebingen Variant Classification Criteria Version 2. Collection method: clinical testing. Allele origin: germline. Affected: yes. Observed: 2 variant alleles.
Comment: POLG: BP4, BP7

Blueprint Genetics
Classification: Likely benign. Last evaluated: 2024-03-27. Review status: criteria provided, single submitter. Criteria: ACMG Guidelines, 2015. Collection method: clinical testing. Allele origin: germline.

Athena Diagnostics
Classification: Likely benign. Last evaluated: 2019-06-14. Review status: criteria provided, single submitter. Criteria: Athena Diagnostics Criteria. Collection method: clinical testing. Allele origin: germline.

Eurofins Ntd Llc (ga)
Classification: Uncertain significance. Last evaluated: 2017-05-30. Review status: criteria provided, single submitter. Criteria: EGL Classification Definitions 2015. Collection method: clinical testing. Allele origin: germline. Observed: 2 variant alleles, 2 heterozygotes.

Ambry Genetics
Classification: Likely benign for Inborn genetic diseases. Last evaluated: 2016-06-23. Review status: criteria provided, single submitter. Criteria: Ambry Variant Classification Scheme 2023. Collection method: clinical testing. Allele origin: germline.

GeneDx
Classification: Benign. Last evaluated: 2013-09-19. Review status: criteria provided, single submitter. Criteria: GeneDx Variant Classification (06012015). Collection method: clinical testing. Allele origin: germline. Affected: yes.
Comment: This variant is considered likely benign or benign based on one or more of the following criteria: it is a conservative change, it occurs at a poorly conserved position in the protein, it is predicted to be benign by multiple in silico algorithms, and/or has population frequency not consistent with disease.